The following is an entry in ClinVar:

NM_012469.4(PRPF6):c.2365C>T (p.Arg789Cys)

Gene: PRPF6 (pre-mRNA processing factor 6; plus strand). Cytogenetic location: 20q13.33.
Variant type: single nucleotide variant.
Coding change: c.2365C>T on transcript NM_012469.4 (MANE Select); coding-DNA position 2365, C replaced by T.
Protein change: p.Arg789Cys; replaces arginine 789 with cysteine.
Molecular consequence: missense variant.
Genome position (GRCh38, 1-based): chr20:64,028,503, C>T. VCF-style: chr20-64028503-C-T. GRCh37 (hg19) VCF-style: chr20-62659856-C-T.
Other names: short protein forms R789C.
Identifiers: ClinVar variation 809277 (VCV000809277.49), dbSNP rs1229221676, ClinGen allele CA409742482.
Genomic context (GRCh38, chr20:64,028,503, plus strand): 5'-ACGGCTGTGGGACCTCCGGGGGCCTGTCTCCTCAGGTTGGAGTCCGTGCGGCTGGAGTAC[C>T]GTGCGGGGCTGAAGAACATCGCAAATACACTCATGGCCAAGGCGCTGCAGGAGTGCCCCA-3'
Protein context (NP_036601.2, residues 779-799): LWLESVRLEY[Arg789Cys]AGLKNIANTL

ClinVar aggregate classification (germline): Uncertain significance. Review status: criteria provided, multiple submitters, no conflicts (2 of 4 stars). 3 submissions from 3 submitters: Uncertain significance (3). Last evaluated 2022-08-31.

Allele frequency attached by ClinVar (database versions not stated): gnomAD exomes below 0.00001; TOPMed below 0.00001; gnomAD 0.00001.
gnomAD v4.1: 7 of 1,613,788 alleles (0.00043%); highest among the groups gnomAD compares: East Asian, 0.0022%; no homozygotes.

Submissions (3):

Labcorp Genetics (formerly Invitae), Labcorp
Classification: Uncertain significance. Last evaluated: 2022-08-31. Review status: criteria provided, single submitter. Criteria: Invitae Variant Classification Sherloc (09022015). Collection method: clinical testing. Allele origin: germline.
Comment: In summary, the available evidence is currently insufficient to determine the role of this variant in disease. Therefore, it has been classified as a Variant of Uncertain Significance. Algorithms developed to predict the effect of missense changes on protein structure and function (SIFT, PolyPhen-2, Align-GVGD) all suggest that this variant is likely to be disruptive. ClinVar contains an entry for this variant (Variation ID: 809277). This variant has not been reported in the literature in individuals affected with PRPF6-related conditions. This variant is not present in population databases (gnomAD no frequency). This sequence change replaces arginine, which is basic and polar, with cysteine, which is neutral and slightly polar, at codon 789 of the PRPF6 protein (p.Arg789Cys).

Blueprint Genetics
Classification: Uncertain significance. Last evaluated: 2022-04-29. Review status: criteria provided, single submitter. Criteria: ACMG Guidelines, 2015. Collection method: clinical testing. Allele origin: germline.

CeGaT Center for Human Genetics Tuebingen
Classification: Uncertain significance. Last evaluated: 2016-05-01. Review status: criteria provided, single submitter. Criteria: CeGaT Center For Human Genetics Tuebingen Variant Classification Criteria Version 2. Collection method: clinical testing. Allele origin: germline. Affected: yes. Observed: 1 variant allele.